The following is an entry in ClinVar:

ClinVar aggregate classification (germline): Uncertain significance. Review status: criteria provided, multiple submitters, no conflicts (2 of 4 stars). 2 submissions from 2 submitters: Uncertain significance (2). Last evaluated 2021-12-25.

Submissions (2):

Labcorp Genetics (formerly Invitae), Labcorp
Classification: Uncertain significance. Last evaluated: 2021-12-25. Review status: criteria provided, single submitter. Criteria: Invitae Variant Classification Sherloc (09022015). Collection method: clinical testing. Allele origin: germline.
Comment: This variant is not present in population databases (gnomAD no frequency). In summary, the available evidence is currently insufficient to determine the role of this variant in disease. Therefore, it has been classified as a Variant of Uncertain Significance. Algorithms developed to predict the effect of missense changes on protein structure and function (SIFT, PolyPhen-2, Align-GVGD) all suggest that this variant is likely to be disruptive. ClinVar contains an entry for this variant (Variation ID: 958208). This variant has not been reported in the literature in individuals affected with EYS-related conditions. This sequence change replaces cysteine, which is neutral and slightly polar, with phenylalanine, which is neutral and non-polar, at codon 280 of the EYS protein (p.Cys280Phe).

Blueprint Genetics
Classification: Uncertain significance. Last evaluated: 2021-05-12. Review status: criteria provided, single submitter. Criteria: ACMG Guidelines, 2015. Collection method: clinical testing. Allele origin: germline.

NM_001142800.2(EYS):c.839G>T (p.Cys280Phe)

Gene: EYS (EGF-like photoreceptor maintenance factor; minus strand). Cytogenetic location: 6q12.
Variant type: single nucleotide variant.
Coding change: c.839G>T on transcript NM_001142800.2 (MANE Select); coding-DNA position 839, G replaced by T.
Protein change: p.Cys280Phe; replaces cysteine 280 with phenylalanine.
Molecular consequence: missense variant.
Genome position (GRCh38, 1-based): chr6:65,490,617, C>A on the plus strand (G>T on the coding strand, the complement: EYS is on the minus strand). VCF-style: chr6-65490617-C-A. GRCh37 (hg19) VCF-style: chr6-66200510-C-A.
Other names: c.839G>T, p.Cys280Phe (NM_001142801.2, NM_001292009.2, NM_198283.2); short protein forms C280F.
Identifiers: ClinVar variation 958208 (VCV000958208.8), dbSNP rs1766004190, ClinGen allele CA364789002.